The following is an entry in ClinVar:

NM_152564.5(VPS13B):c.8527T>A (p.Leu2843Met)

Gene: VPS13B (vacuolar protein sorting 13 homolog B; plus strand). Cytogenetic location: 8q22.2.
Variant type: single nucleotide variant.
Coding change: c.8527T>A on transcript NM_152564.5 (MANE Select); coding-DNA position 8527, T replaced by A.
Protein change: p.Leu2843Met; replaces leucine 2843 with methionine.
Molecular consequence: missense variant.
Genome position (GRCh38, 1-based): chr8:99,818,794, T>A. VCF-style: chr8-99818794-T-A. GRCh37 (hg19) VCF-style: chr8-100831022-T-A.
Other names: c.8602T>A, p.Leu2868Met (NM_017890.5); short protein forms L2843M, L2868M.
Identifiers: ClinVar variation 957318 (VCV000957318.9), dbSNP rs778838868, ClinGen allele CA371774602.

ClinVar aggregate classification (germline): Uncertain significance (1 of 4 stars; one submission).

Conditions:
Cohen syndrome (COH1). Also called: Cutis verticis gyrata, retinitis pigmentosa, and sensorineural deafness; PEPPER SYNDROME. Identifiers: Orphanet 193, MedGen C0265223, MONDO:0008999, OMIM 216550.

Allele frequency attached by ClinVar (database versions not stated): gnomAD 0.00001.

Submission:

Labcorp Genetics (formerly Invitae), Labcorp
Classification: Uncertain significance for Cohen syndrome. Last evaluated: 2025-03-17. Review status: criteria provided, single submitter. Criteria: Invitae Variant Classification Sherloc (09022015). Collection method: clinical testing. Allele origin: germline.
Comment: This sequence change replaces leucine, which is neutral and non-polar, with methionine, which is neutral and non-polar, at codon 2868 of the VPS13B protein (p.Leu2868Met). This variant is present in population databases (no rsID available, gnomAD 0.007%). This variant has not been reported in the literature in individuals affected with VPS13B-related conditions. ClinVar contains an entry for this variant (Variation ID: 957318). Invitae Evidence Modeling of protein sequence and biophysical properties (such as structural, functional, and spatial information, amino acid conservation, physicochemical variation, residue mobility, and thermodynamic stability) indicates that this missense variant is expected to disrupt VPS13B protein function with a positive predictive value of 80%. In summary, the available evidence is currently insufficient to determine the role of this variant in disease. Therefore, it has been classified as a Variant of Uncertain Significance.